The following is an entry in ClinVar:

NM_001148.6(ANK2):c.9172C>A (p.Arg3058Ser)

Gene: ANK2 (ankyrin 2; plus strand). Cytogenetic location: 4q26.
Variant type: single nucleotide variant.
Coding change: c.9172C>A on transcript NM_001148.6 (MANE Select); coding-DNA position 9172, C replaced by A.
Protein change: p.Arg3058Ser; replaces arginine 3058 with serine.
Molecular consequence: missense variant. On other transcripts: intron variant (68).
Genome position (GRCh38, 1-based): chr4:113,357,790, C>A. VCF-style: chr4-113357790-C-A. GRCh37 (hg19) VCF-style: chr4-114278946-C-A.
Other names: c.4397-3033C>A (NM_001354239.2, NM_001354252.2); c.4298-3033C>A (NM_001354272.2); c.4361-3033C>A (NM_001354244.2, NM_001354256.2, NM_001386161.1); c.4400-3033C>A (NM_001127493.3); c.4364-3033C>A (NM_001386143.1, NM_001354243.2, NM_001354255.2); c.4265-3033C>A (NM_001354262.2, NM_001354275.2, NM_001354245.2); c.4202-3033C>A (NM_001354253.2, NM_001354270.2); c.4166-3033C>A (NM_001354257.2, NM_001386156.1); and 35 more; short protein forms R1858S, R3097S, R2980S, R3058S, R3105S.
Identifiers: ClinVar variation 3692061 (VCV003692061.2).

ClinVar aggregate classification (germline): Uncertain significance (1 of 4 stars; one submission).

Conditions:
Long QT syndrome (LQTS). Identifiers: MedGen C0023976, MeSH D008133, MONDO:0002442. Disease mechanism: loss of function. Inheritance: Various modes of inheritance.

Submission:

Labcorp Genetics (formerly Invitae), Labcorp
Classification: Uncertain significance for Long QT syndrome. Last evaluated: 2025-03-04. Review status: criteria provided, single submitter. Criteria: Invitae Variant Classification Sherloc (09022015). Collection method: clinical testing. Allele origin: germline.
Comment: This sequence change replaces arginine, which is basic and polar, with serine, which is neutral and polar, at codon 3058 of the ANK2 protein (p.Arg3058Ser). This variant is not present in population databases (gnomAD no frequency). This variant has not been reported in the literature in individuals affected with ANK2-related conditions. An algorithm developed to predict the effect of missense changes on protein structure and function (PolyPhen-2) suggests that this variant is likely to be disruptive. In summary, the available evidence is currently insufficient to determine the role of this variant in disease. Therefore, it has been classified as a Variant of Uncertain Significance.